The following is an entry in ClinVar:

ClinVar aggregate classification (germline): Uncertain significance (1 of 4 stars; one submission).

Submission:

Dasa
Classification: Uncertain significance. Last evaluated: 2025-12-30. Review status: criteria provided, single submitter. Criteria: DASA Assertion Criteria. Collection method: clinical testing. Allele origin: germline.
Comment: NM_005633.4(SOS1):c.864+1996G>A is an intronic variant. This variant is rare in population databases. The currently available literature and clinical evidence are not sufficient to establish a definitive association between this variant and the reported condition. Therefore, this variant is classified as a variant of uncertain significance.

NM_005633.4(SOS1):c.864+1996G>A

Gene: SOS1 (SOS Ras/Rac guanine nucleotide exchange factor 1; minus strand). Cytogenetic location: 2p22.1.
Variant type: single nucleotide variant.
Coding change: c.864+1996G>A on transcript NM_005633.4 (MANE Select); 1996 bases into the intron after coding-DNA position 864, G replaced by A.
Molecular consequence: intron variant.
Genome position (GRCh38, 1-based): chr2:39,049,148, C>T on the plus strand (G>A on the coding strand, the complement: SOS1 is on the minus strand). VCF-style: chr2-39049148-C-T. GRCh37 (hg19) VCF-style: chr2-39276289-C-T.
Other names: c.843+1996G>A (NM_001382394.1); c.864+1996G>A (NM_001382395.1).
Identifiers: ClinVar variation 4881938 (VCV004881938.2).